The following is an entry in ClinVar:

NM_022051.2(EGLN1):c.-2735G>A

Gene: EGLN1 (egl-9 family hypoxia inducible factor 1; minus strand). Cytogenetic location: 1q42.2.
Variant type: single nucleotide variant.
Coding change: c.-2735G>A on transcript NM_022051.2; 2735 bases upstream of the start codon, G replaced by A.
Genome position (GRCh38, 1-based): chr1:231,424,623, C>T on the plus strand (G>A on the coding strand, the complement: EGLN1 is on the minus strand). VCF-style: chr1-231424623-C-T. GRCh37 (hg19) VCF-style: chr1-231560369-C-T.
Identifiers: ClinVar variation 296246 (VCV000296246.7), dbSNP rs12094665, ClinGen allele CA10610398.

ClinVar aggregate classification (germline): Benign (1 of 4 stars; one submission).

Conditions:
Erythrocytosis, familial, 3 (ECYT3). Identifiers: Orphanet 247511, MedGen C1853286, MONDO:0012353, OMIM 609820.

Allele frequency attached by ClinVar (database versions not stated): gnomAD 0.00490 and 0.00522; 1000 Genomes Project 30x 0.00422; 1000 Genomes Project 0.00459; TOPMed 0.00564.

Submission:

Illumina Laboratory Services, Illumina
Classification: Benign for Erythrocytosis, familial, 3. Last evaluated: 2018-01-13. Review status: criteria provided, single submitter. Criteria: ICSL Variant Classification Criteria 13 December 2019. Collection method: clinical testing. Allele origin: germline.
Comment: This variant was observed in the ICSL laboratory as part of a predisposition screen in an ostensibly healthy population. It had not been previously curated by ICSL or reported in the Human Gene Mutation Database (HGMD: prior to June 1st, 2018), and was therefore a candidate for classification through an automated scoring system. Utilizing variant allele frequency, disease prevalence and penetrance estimates, and inheritance mode, an automated score was calculated to assess if this variant is too frequent to cause the disease. Based on the score and internal cut-off values, a variant classified as benign is not then subjected to further curation. The score for this variant resulted in a classification of benign for this disease.